The following is an entry in ClinVar:

NM_024675.4(PALB2):c.1460T>A (p.Val487Asp)

Gene: PALB2 (partner and localizer of BRCA2; minus strand). Cytogenetic location: 16p12.2.
Variant type: single nucleotide variant.
Coding change: c.1460T>A on transcript NM_024675.4 (MANE Select); coding-DNA position 1460, T replaced by A.
Protein change: p.Val487Asp; replaces valine 487 with aspartic acid.
Molecular consequence: missense variant.
Genome position (GRCh38, 1-based): chr16:23,635,086, A>T on the plus strand (T>A on the coding strand, the complement: PALB2 is on the minus strand). VCF-style: chr16-23635086-A-T. GRCh37 (hg19) VCF-style: chr16-23646407-A-T.
Other names: c.1460T>A (NM_024675.3); short protein forms V487D.
Identifiers: ClinVar variation 1506787 (VCV001506787.10), dbSNP rs2142415304, ClinGen allele CA395131195.
Genomic context (GRCh38, chr16:23,635,086, plus strand): 5'-GCTTGGGCAACTGCCTTCCTAGACAAGTCATTATCTTCAGTGGGCCCAGCGGGAGAGCTG[A>T]CTTTAGTTAATGAGAGAAGTTTCTGAGAGGTTCTTGAACTTGGTTGTCCTGTGCATGTGC-3'
Protein context (NP_078951.2, residues 477-497): TSQKLLSLTK[Val487Asp]SSPAGPTEDN

ClinVar aggregate classification (germline): Uncertain significance. Review status: criteria provided, multiple submitters, no conflicts (2 of 4 stars). 2 submissions from 2 submitters: Uncertain significance (2). Last evaluated 2025-04-12.

Conditions:
Hereditary cancer-predisposing syndrome. Also called: Hereditary neoplastic syndrome; Tumor predisposition; Neoplastic Syndromes, Hereditary; Hereditary Cancer Syndrome. Identifiers: Orphanet 140162, MedGen C0027672, MeSH D009386, MONDO:0015356.
Familial cancer of breast. Also called: hereditary breast carcinoma; Hereditary breast cancer; BREAST CANCER, FAMILIAL. Identifiers: Orphanet 227535, MedGen C0346153, MONDO:0016419, OMIM 114480. Disease mechanism: loss of function.

Submissions (2):

Ambry Genetics
Classification: Uncertain significance for Hereditary cancer-predisposing syndrome. Last evaluated: 2025-04-12. Review status: criteria provided, single submitter. Criteria: Ambry Variant Classification Scheme 2023. Collection method: clinical testing. Allele origin: germline.
Comment: The p.V487D variant (also known as c.1460T>A), located in coding exon 4 of the PALB2 gene, results from a T to A substitution at nucleotide position 1460. The valine at codon 487 is replaced by aspartic acid, an amino acid with highly dissimilar properties. This amino acid position is conserved. In addition, this alteration is predicted to be tolerated by in silico analysis. Based on the available evidence, the clinical significance of this variant remains unclear.

Labcorp Genetics (formerly Invitae), Labcorp
Classification: Uncertain significance for Familial cancer of breast. Last evaluated: 2022-07-26. Review status: criteria provided, single submitter. Criteria: Invitae Variant Classification Sherloc (09022015). Collection method: clinical testing. Allele origin: germline.
Comment: This sequence change replaces valine, which is neutral and non-polar, with aspartic acid, which is acidic and polar, at codon 487 of the PALB2 protein (p.Val487Asp). This variant is not present in population databases (gnomAD no frequency). This variant has not been reported in the literature in individuals affected with PALB2-related conditions. ClinVar contains an entry for this variant (Variation ID: 1506787). Algorithms developed to predict the effect of missense changes on protein structure and function are either unavailable or do not agree on the potential impact of this missense change (SIFT: "Tolerated"; PolyPhen-2: "Possibly Damaging"; Align-GVGD: "Class C0"). In summary, the available evidence is currently insufficient to determine the role of this variant in disease. Therefore, it has been classified as a Variant of Uncertain Significance.